The following is an entry in ClinVar:

ClinVar aggregate classification (germline): Uncertain significance. Review status: criteria provided, multiple submitters, no conflicts (2 of 4 stars). 2 submissions from 2 submitters: Uncertain significance (2). Last evaluated 2026-03-26.

Conditions:
Malignant hyperthermia, susceptibility to, 5 (MHS5). Also called: CACNA1S-Related Malignant Hyperthermia Susceptibility. Identifiers: Orphanet 423, MedGen C1866077, MONDO:0011163, OMIM 601887.

gnomAD v4.1: 2 of 1,613,642 alleles (0.00012%); highest among the groups gnomAD compares: Non-Finnish European, 0.00017%; no homozygotes.

Submissions (2):

GeneDx
Classification: Uncertain significance. Last evaluated: 2026-03-26. Review status: criteria provided, single submitter. Criteria: GeneDx Variant Classification Process June 2021. Collection method: clinical testing. Allele origin: germline.
Comment: Not observed at significant frequency in large population cohorts (gnomAD); In silico analysis supports that this missense variant has a deleterious effect on protein structure/function; Has not been previously published as pathogenic or benign to our knowledge

All of Us Research Program, National Institutes of Health
Classification: Uncertain significance for Malignant hyperthermia, susceptibility to, 5. Last evaluated: 2024-01-08. Review status: criteria provided, single submitter. Criteria: ACMG Guidelines, 2015. Collection method: clinical testing. Allele origin: germline. Inheritance: Autosomal dominant inheritance. Observed: 1 variant allele, 1 heterozygote.
Comment: This missense variant replaces alanine with aspartic acid at codon 1228 of the CACNA1S protein. Computational prediction is inconclusive regarding the impact of this variant on protein structure and function (internally defined REVEL score threshold 0.5 < inconclusive < 0.7, PMID: 27666373). To our knowledge, functional studies have not been reported for this variant. This variant has not been reported in individuals affected with CACNA1S-related disorders in the literature. This variant has not been identified in the general population by the Genome Aggregation Database (gnomAD). The available evidence is insufficient to determine the role of this variant in disease conclusively. Therefore, this variant is classified as a Variant of Uncertain Significance.

This study involves interpretation of variants in research participants for the purpose of population health screening. Participant phenotype was not available at the time of variant classification. Additional details can be found in publication PMID: 35346344, PMCID: PMC8962531

NM_000069.3(CACNA1S):c.3683C>A (p.Ala1228Asp)

Gene: CACNA1S (calcium voltage-gated channel subunit alpha1 S; minus strand). Cytogenetic location: 1q32.1.
Variant type: single nucleotide variant.
Coding change: c.3683C>A on transcript NM_000069.3 (MANE Select); coding-DNA position 3683, C replaced by A.
Protein change: p.Ala1228Asp; replaces alanine 1228 with aspartic acid.
Molecular consequence: missense variant.
Genome position (GRCh38, 1-based): chr1:201,053,571, G>T on the plus strand (C>A on the coding strand, the complement: CACNA1S is on the minus strand). VCF-style: chr1-201053571-G-T. GRCh37 (hg19) VCF-style: chr1-201022699-G-T.
Other names: c.3683C>A (NM_000069.2); short protein forms A1228D.
Identifiers: ClinVar variation 3075305 (VCV003075305.2), dbSNP rs1660733980, ClinGen allele CA344155004.
Genomic context (GRCh38, chr1:201,053,571, plus strand): 5'-CTCAGCAGCTTGATCAGCCTCATGACACGGAACAGGCGGAAGAAGGCGCTGGAGATGCGG[G>T]CACTCTCATCTGGGTCCTGCGGGGCAGCAGCCCCAGAGGTCAGTCTGGGGGCAGAACCTC-3'
Protein context (NP_000060.2, residues 1218-1238): GCGNVDPDES[Ala1228Asp]RISSAFFRLF